The following is an entry in ClinVar:

NM_000352.6(ABCC8):c.2117-10C>T

Gene: ABCC8 (ATP binding cassette subfamily C member 8; minus strand). Cytogenetic location: 11p15.1.
Variant type: single nucleotide variant.
Coding change: c.2117-10C>T on transcript NM_000352.6 (MANE Select); 10 bases into the intron before coding-DNA position 2117, C replaced by T.
Molecular consequence: intron variant.
Genome position (GRCh38, 1-based): chr11:17,427,164, G>A on the plus strand (C>T on the coding strand, the complement: ABCC8 is on the minus strand). VCF-style: chr11-17427164-G-A. GRCh37 (hg19) VCF-style: chr11-17448711-G-A.
Other names: c.2114-10C>T (NM_001351297.2, NM_001351296.2); c.2183-10C>T (NM_001351295.2); c.2117-10C>T (NM_001287174.3).
Identifiers: ClinVar variation 1690300 (VCV001690300.1), dbSNP rs886048053, ClinGen allele CA597666131.

ClinVar aggregate classification (germline): Uncertain significance. Review status: criteria provided, single submitter (1 of 4 stars). 2 submissions from 1 submitter: Uncertain significance (2).

Conditions:
Maturity-onset diabetes of the young (MODY). Also called: Maturity onset diabetes mellitus in young. Identifiers: Orphanet 552, MedGen C0342276, MONDO:0018911, HP:0004904.
Transitory neonatal diabetes mellitus. Also called: Transient neonatal diabetes mellitus. Identifiers: MedGen C0342273, MONDO:0020525, HP:0008255.

Allele frequency attached by ClinVar (database versions not stated): gnomAD exomes below 0.00001.
gnomAD v4.1: 1 of 1,609,328 alleles (0.000062%); highest among the groups gnomAD compares: South Asian, 0.0011%; no homozygotes.

Submissions (2):

Clinical Genomics, Uppaluri K&H Personalized Medicine Clinic
Classification: Uncertain significance for Transitory neonatal diabetes mellitus. Review status: criteria provided, single submitter. Criteria: K & H Uppaluri Personalized Medicine Clinic Variant Classification & Assertion Criteria_Updated V.1. Collection method: research. Allele origin: unknown. Inheritance: Somatic mutation.
Comment: Mutations in ABCC8 gene are associated with both neonatal diabetes mellitus as well as MODY. Patients with this mutation may have a better response to sulfonylureas. However, no sufficient evidence is found to ascertain the role of this particular variant ( rs886048053) in neonatal diabetes yet.

Clinical Genomics, Uppaluri K&H Personalized Medicine Clinic
Classification: Uncertain significance for Maturity-onset diabetes of the young. Review status: criteria provided, single submitter. Criteria: K & H Uppaluri Personalized Medicine Clinic Variant Classification & Assertion Criteria_Updated V.1. Collection method: research. Allele origin: unknown. Inheritance: Somatic mutation.
Comment: Mutations in ABCC8 gene are associated with both neonatal diabetes mellitus as well as MODY. Patients with this mutation may have a better response to sulfonylureas. However, no sufficient evidence is found to ascertain the role of this particular variant ( rs886048053) in MODY yet.

Literature cited by the submitters: PubMed 16885549; PubMed 21989597; PubMed 27538677; PubMed 18981553; PubMed 32027066; PubMed 16613899; PubMed 18025408; PubMed 32792356.